The following is an entry in ClinVar:

ClinVar aggregate classification (germline): Benign/Likely benign. Review status: criteria provided, multiple submitters, no conflicts (2 of 4 stars). 2 submissions from 2 submitters: Benign (1); Likely benign (1). Last evaluated 2026-04-15.

Conditions:
DICER1-related tumor predisposition. Also called: DICER1-related pleuropulmonary blastoma cancer predisposition syndrome; DICER1 syndrome. Identifiers: Orphanet 284343, MedGen C3839822, MONDO:0100216.

Submissions (2):

Myriad Genetics, Inc.
Classification: Benign for DICER1-related tumor predisposition. Last evaluated: 2026-04-15. Review status: criteria provided, single submitter. Criteria: Myriad Autosomal Dominant, Autosomal Recessive and X-Linked Classification Criteria (2023). Collection method: clinical testing. Allele origin: unknown.
Comment: This variant is considered benign. This variant is a silent/synonymous amino acid change and it is not expected to impact splicing.

Labcorp Genetics (formerly Invitae), Labcorp
Classification: Likely benign for DICER1-related tumor predisposition. Last evaluated: 2023-04-19. Review status: criteria provided, single submitter. Criteria: Invitae Variant Classification Sherloc (09022015). Collection method: clinical testing. Allele origin: germline.

NM_177438.3(DICER1):c.1308T>C (p.Ser436=)

Gene: DICER1 (dicer 1, ribonuclease III; minus strand). Cytogenetic location: 14q32.13.
Variant type: single nucleotide variant.
Coding change: c.1308T>C on transcript NM_177438.3 (MANE Select); coding-DNA position 1308, T replaced by C.
Protein change: p.Ser436=; no amino-acid change (serine 436 retained).
Molecular consequence: synonymous variant. On other transcripts: 5 prime UTR variant (1), non-coding transcript variant (6).
Genome position (GRCh38, 1-based): chr14:95,124,264, A>G on the plus strand (T>C on the coding strand, the complement: DICER1 is on the minus strand). VCF-style: chr14-95124264-A-G. GRCh37 (hg19) VCF-style: chr14-95590601-A-G.
Other names: c.1308T>C, p.Ser436= (NM_001195573.1, NM_001271282.3, NM_001291628.2 and 15 more transcripts); c.1026T>C, p.Ser342= (NM_001395686.1); c.903T>C, p.Ser301= (NM_001395687.1, NM_001395688.1, NM_001395689.1 and 3 more transcripts); c.741T>C, p.Ser247= (NM_001395691.1); c.-261T>C (NM_001395697.1).
Identifiers: ClinVar variation 2842779 (VCV002842779.4), dbSNP rs2543172313, ClinGen allele CA487845127.